The following is an entry in ClinVar:

ClinVar aggregate classification (germline): Uncertain significance (1 of 4 stars; one submission).

Conditions:
Tall stature-scoliosis-macrodactyly of the great toes syndrome. Also called: Epiphyseal chondrodysplasia, miura type. Identifiers: Orphanet 329191, MedGen C4014690, MONDO:0014401, OMIM 615923.
Acromesomelic dysplasia 1, Maroteaux type (AMD1). Also called: ACROMESOMELIC DYSPLASIA 1; ST. HELENA DYSPLASIA. Identifiers: Orphanet 40, MedGen C1864356, MONDO:0011275, OMIM 602875.

gnomAD v4.1: 14 of 1,614,182 alleles (0.00087%); highest among the groups gnomAD compares: South Asian, 0.0022%; no homozygotes.

Submission:

Labcorp Genetics (formerly Invitae), Labcorp
Classification: Uncertain significance for Tall stature-scoliosis-macrodactyly of the great toes syndrome; Acromesomelic dysplasia 1, Maroteaux type. Last evaluated: 2025-03-24. Review status: criteria provided, single submitter. Criteria: Invitae Variant Classification Sherloc (09022015). Collection method: clinical testing. Allele origin: germline.
Comment: This sequence change replaces arginine, which is basic and polar, with histidine, which is basic and polar, at codon 514 of the NPR2 protein (p.Arg514His). This variant is present in population databases (rs777466300, gnomAD 0.003%). This variant has not been reported in the literature in individuals affected with NPR2-related conditions. Invitae Evidence Modeling of protein sequence and biophysical properties (such as structural, functional, and spatial information, amino acid conservation, physicochemical variation, residue mobility, and thermodynamic stability) indicates that this missense variant is not expected to disrupt NPR2 protein function with a negative predictive value of 80%. In summary, the available evidence is currently insufficient to determine the role of this variant in disease. Therefore, it has been classified as a Variant of Uncertain Significance.

NM_003995.4(NPR2):c.1541G>A (p.Arg514His)

Gene: NPR2 (natriuretic peptide receptor 2; plus strand). Cytogenetic location: 9p13.3.
Variant type: single nucleotide variant.
Coding change: c.1541G>A on transcript NM_003995.4 (MANE Select); coding-DNA position 1541, G replaced by A.
Protein change: p.Arg514His; replaces arginine 514 with histidine.
Molecular consequence: missense variant.
Genome position (GRCh38, 1-based): chr9:35,801,747, G>A. VCF-style: chr9-35801747-G-A. GRCh37 (hg19) VCF-style: chr9-35801744-G-A.
Other names: c.1550G>A, p.Arg517His (NM_001378923.1); short protein forms R517H, R514H.
Identifiers: ClinVar variation 4782727 (VCV004782727.1).